The following is an entry in ClinVar:

ClinVar aggregate classification (germline): Uncertain significance (1 of 4 stars; one submission).

gnomAD v4.1: 211 of 1,552,692 alleles (0.014%); highest among the groups gnomAD compares: East Asian, 0.19%; no homozygotes.

Submission:

Labcorp Genetics (formerly Invitae), Labcorp
Classification: Uncertain significance. Last evaluated: 2025-05-30. Review status: criteria provided, single submitter. Criteria: Invitae Variant Classification Sherloc (09022015). Collection method: clinical testing. Allele origin: germline.
Comment: This sequence change creates a premature translational stop signal (p.Tyr502*) in the FGFRL1 gene. While this is not anticipated to result in nonsense mediated decay, it is expected to disrupt the last 3 amino acid(s) of the FGFRL1 protein. This variant is present in population databases (rs144318134, gnomAD 0.1%), and has an allele count higher than expected for a pathogenic variant. This variant has not been reported in the literature in individuals affected with FGFRL1-related conditions. ClinVar contains an entry for this variant (Variation ID: 3707039). In summary, the available evidence is currently insufficient to determine the role of this variant in disease. Therefore, it has been classified as a Variant of Uncertain Significance.

NM_001004356.3(FGFRL1):c.1506T>G (p.Tyr502Ter)

Gene: FGFRL1 (fibroblast growth factor receptor like 1; plus strand). Cytogenetic location: 4p16.3.
Variant type: single nucleotide variant.
Coding change: c.1506T>G on transcript NM_001004356.3 (MANE Select); coding-DNA position 1506, T replaced by G.
Protein change: p.Tyr502Ter; replaces tyrosine 502 with a stop codon.
Molecular consequence: nonsense.
Genome position (GRCh38, 1-based): chr4:1,025,338, T>G. VCF-style: chr4-1025338-T-G. GRCh37 (hg19) VCF-style: chr4-1019126-T-G.
Other names: c.1506T>G, p.Tyr502Ter (NM_001004358.1, NM_001370296.1, NM_021923.3); short protein forms Y502*.
Identifiers: ClinVar variation 3707039 (VCV003707039.2).